The following is an entry in ClinVar:

NM_001042492.3(NF1):c.5740A>C (p.Thr1914Pro)

Gene: NF1 (neurofibromin 1; plus strand). Cytogenetic location: 17q11.2.
Variant type: single nucleotide variant.
Coding change: c.5740A>C on transcript NM_001042492.3 (MANE Select); coding-DNA position 5740, A replaced by C.
Protein change: p.Thr1914Pro; replaces threonine 1914 with proline.
Molecular consequence: missense variant.
Genome position (GRCh38, 1-based): chr17:31,330,426, A>C. VCF-style: chr17-31330426-A-C. GRCh37 (hg19) VCF-style: chr17-29657444-A-C.
Other names: c.5677A>C, p.Thr1893Pro (NM_000267.4); short protein forms T1893P, T1914P.
Identifiers: ClinVar variation 958318 (VCV000958318.8), dbSNP rs2069452483, ClinGen allele CA399010372.

ClinVar aggregate classification (germline): Uncertain significance. Review status: criteria provided, multiple submitters, no conflicts (2 of 4 stars). 3 submissions from 3 submitters: Uncertain significance (3). Last evaluated 2022-05-22.

Conditions:
Neurofibromatosis, type 1 (NF1). Also called: Peripheral type neurofibromatosis; VON RECKLINGHAUSEN DISEASE; NEUROFIBROMATOSIS, TYPE I, SOMATIC; Neurofibromatosis, type I. Identifiers: Orphanet 636, MedGen C0027831, MONDO:0018975, OMIM 162200. Disease mechanism: loss of function.

Submissions (3):

3billion
Classification: Uncertain significance for Neurofibromatosis, type 1. Last evaluated: 2022-05-22. Review status: criteria provided, single submitter. Criteria: ACMG Guidelines, 2015. Collection method: clinical testing. Allele origin: germline. Affected: yes. Observed: 1 heterozygote.
Comment: The variant is not observed in the gnomAD v2.1.1 dataset. In silico tool predictions suggest damaging effect of the variant on gene or gene product (REVEL: 0.85; 3Cnet: 0.65). Therefore, this variant is classified as uncertain significanceaccording to the recommendation of ACMG/AMP guideline.

Genome-Nilou Lab
Classification: Uncertain significance for Neurofibromatosis, type 1. Last evaluated: 2022-03-15. Review status: criteria provided, single submitter. Criteria: ACMG Guidelines, 2015. Collection method: clinical testing. Allele origin: germline. Affected: no.

Labcorp Genetics (formerly Invitae), Labcorp
Classification: Uncertain significance for Neurofibromatosis, type 1. Last evaluated: 2019-11-07. Review status: criteria provided, single submitter. Criteria: Invitae Variant Classification Sherloc (09022015). Collection method: clinical testing. Allele origin: germline.
Comment: This sequence change replaces threonine with proline at codon 1893 of the NF1 protein (p.Thr1893Pro). The threonine residue is moderately conserved and there is a small physicochemical difference between threonine and proline. This variant is not present in population databases (ExAC no frequency). This variant has not been reported in the literature in individuals with NF1-related conditions. Algorithms developed to predict the effect of missense changes on protein structure and function are either unavailable or do not agree on the potential impact of this missense change (SIFT: "Deleterious"; PolyPhen-2: "Probably Damaging"; Align-GVGD: "Class C0"). In summary, the available evidence is currently insufficient to determine the role of this variant in disease. Therefore, it has been classified as a Variant of Uncertain Significance.